The following is an entry in ClinVar:

ClinVar aggregate classification (germline): Conflicting classifications of pathogenicity. Review status: criteria provided, conflicting classifications (1 of 4 stars). 4 submissions from 4 submitters: Uncertain significance (2); Likely benign (2). Last evaluated 2025-10-06.

Allele frequency attached by ClinVar (database versions not stated): ExAC below 0.00001; TOPMed 0.00005; gnomAD exomes 0.00016 and 0.00028; gnomAD 0.00036 and 0.00037.
gnomAD v4.1: 247 of 1,401,940 alleles (0.018%); highest among the groups gnomAD compares: Non-Finnish European, 0.0054%; no homozygotes.

Submissions (4):

Labcorp Genetics (formerly Invitae), Labcorp
Classification: Likely benign. Last evaluated: 2025-10-06. Review status: criteria provided, single submitter. Criteria: Invitae Variant Classification Sherloc (09022015). Collection method: clinical testing. Allele origin: germline.

Blueprint Genetics
Classification: Likely benign. Last evaluated: 2024-09-13. Review status: criteria provided, single submitter. Criteria: ACMG Guidelines, 2015. Collection method: clinical testing. Allele origin: germline.

Women's Health and Genetics/Laboratory Corporation of America, LabCorp
Classification: Uncertain significance. Last evaluated: 2023-10-13. Review status: criteria provided, single submitter. Criteria: LabCorp Variant Classification Summary - May 2015. Collection method: clinical testing. Allele origin: germline.
Comment: Variant summary: SPEG c.1649C>T (p.Pro550Leu) results in a non-conservative amino acid change in the encoded protein sequence. Three of five in-silico tools predict a benign effect of the variant on protein function. The variant allele was found at a frequency of 0.00028 in 17554 control chromosomes. The available data on variant occurrences in the general population are insufficient to allow any conclusion about variant significance. To our knowledge, no occurrence of c.1649C>T in individuals affected with Myopathy, Centronuclear, 5 and no experimental evidence demonstrating its impact on protein function have been reported. Two submitters have cited clinical-significance assessments for this variant to ClinVar after 2014. One submitter classified the variant as likely benign, and one submitter classified the variant as uncertain significance. Based on the evidence outlined above, the variant was classified as uncertain significance.

GeneDx
Classification: Uncertain significance. Last evaluated: 2017-07-03. Review status: criteria provided, single submitter. Criteria: GeneDx Variant Classification (06012015). Collection method: clinical testing. Allele origin: germline. Affected: yes.
Comment: The P550L variant in the SPEG gene has not been reported previously as a pathogenic variant, nor as a benign variant, to our knowledge. The P550L variant is not observed in large population cohorts (Lek et al., 2016; 1000 Genomes Consortium et al., 2015; Exome Variant Server). The P550L variant is a semi-conservative amino acid substitution, which may impact secondary protein structure as these residues differ in some properties. This substitution occurs at a position that is not conserved. In silico analysis is inconsistent in its predictions as to whether or not the variant is damaging to the protein structure/function. We interpret P550L as a variant of uncertain significance.

NM_005876.5(SPEG):c.1649C>T (p.Pro550Leu)

Gene: SPEG (striated muscle enriched protein kinase; plus strand). Cytogenetic location: 2q35.
Variant type: single nucleotide variant.
Coding change: c.1649C>T on transcript NM_005876.5 (MANE Select); coding-DNA position 1649, C replaced by T.
Protein change: p.Pro550Leu; replaces proline 550 with leucine.
Molecular consequence: missense variant.
Genome position (GRCh38, 1-based): chr2:219,448,807, C>T. VCF-style: chr2-219448807-C-T. GRCh37 (hg19) VCF-style: chr2-220313529-C-T.
Other names: short protein forms P550L.
Identifiers: ClinVar variation 450234 (VCV000450234.11), dbSNP rs747464249, ClinGen allele CA2125705.